The following is an entry in ClinVar:

NM_000459.5(TEK):c.2960G>A (p.Arg987Gln)

Gene: TEK (TEK receptor tyrosine kinase; plus strand). Cytogenetic location: 9p21.2.
Variant type: single nucleotide variant.
Coding change: c.2960G>A on transcript NM_000459.5 (MANE Select); coding-DNA position 2960, G replaced by A.
Protein change: p.Arg987Gln; replaces arginine 987 with glutamine.
Molecular consequence: missense variant.
Genome position (GRCh38, 1-based): chr9:27,213,566, G>A. VCF-style: chr9-27213566-G-A. GRCh37 (hg19) VCF-style: chr9-27213564-G-A.
Other names: c.2831G>A, p.Arg944Gln (NM_001290077.2); c.2516G>A, p.Arg839Gln (NM_001290078.2); c.2957G>A, p.Arg986Gln (NM_001375475.1); c.2828G>A, p.Arg943Gln (NM_001375476.1); short protein forms R943Q, R944Q, R986Q, R987Q, R839Q.
Identifiers: ClinVar variation 3690213 (VCV003690213.2).

ClinVar aggregate classification (germline): Uncertain significance (1 of 4 stars; one submission).

gnomAD v4.1: 1 of 1,613,774 alleles (0.000062%); highest among the groups gnomAD compares: Non-Finnish European, 0.000085%; no homozygotes.

Submission:

Labcorp Genetics (formerly Invitae), Labcorp
Classification: Uncertain significance. Last evaluated: 2024-06-30. Review status: criteria provided, single submitter. Criteria: Invitae Variant Classification Sherloc (09022015). Collection method: clinical testing. Allele origin: germline.
Comment: This sequence change replaces arginine, which is basic and polar, with glutamine, which is neutral and polar, at codon 987 of the TEK protein (p.Arg987Gln). This variant is not present in population databases (gnomAD no frequency). This variant has not been reported in the literature in individuals affected with TEK-related conditions. Advanced modeling of protein sequence and biophysical properties (such as structural, functional, and spatial information, amino acid conservation, physicochemical variation, residue mobility, and thermodynamic stability) performed at Invitae indicates that this missense variant is not expected to disrupt TEK protein function with a negative predictive value of 80%. In summary, the available evidence is currently insufficient to determine the role of this variant in disease. Therefore, it has been classified as a Variant of Uncertain Significance.